The following is an entry in ClinVar:

NM_005762.3(TRIM28):c.824A>G (p.Lys275Arg)

Gene: TRIM28 (tripartite motif containing 28; plus strand). Cytogenetic location: 19q13.43.
Variant type: single nucleotide variant.
Coding change: c.824A>G on transcript NM_005762.3 (MANE Select); coding-DNA position 824, A replaced by G.
Protein change: p.Lys275Arg; replaces lysine 275 with arginine.
Molecular consequence: missense variant.
Genome position (GRCh38, 1-based): chr19:58,547,698, A>G. VCF-style: chr19-58547698-A-G. GRCh37 (hg19) VCF-style: chr19-59059065-A-G.
Other names: short protein forms K275R.
Identifiers: ClinVar variation 4713455 (VCV004713455.1).

ClinVar aggregate classification (germline): Uncertain significance (1 of 4 stars; one submission).

gnomAD v4.1: 3 of 1,614,038 alleles (0.00019%); highest among the groups gnomAD compares: Non-Finnish European, 0.000085%; no homozygotes.

Submission:

Labcorp Genetics (formerly Invitae), Labcorp
Classification: Uncertain significance. Last evaluated: 2025-02-19. Review status: criteria provided, single submitter. Criteria: Invitae Variant Classification Sherloc (09022015). Collection method: clinical testing. Allele origin: germline.
Comment: This sequence change replaces lysine, which is basic and polar, with arginine, which is basic and polar, at codon 275 of the TRIM28 protein (p.Lys275Arg). This variant is not present in population databases (gnomAD no frequency). This variant has not been reported in the literature in individuals affected with TRIM28-related conditions. Experimental studies and prediction algorithms are not available or were not evaluated, and the functional significance of this variant is currently unknown. In summary, the available evidence is currently insufficient to determine the role of this variant in disease. Therefore, it has been classified as a Variant of Uncertain Significance.